The following is an entry in ClinVar:

NM_000256.3(MYBPC3):c.2046C>T (p.Ile682=)

Gene: MYBPC3 (myosin binding protein C3; minus strand). Cytogenetic location: 11p11.2.
Variant type: single nucleotide variant.
Coding change: c.2046C>T on transcript NM_000256.3 (MANE Select); coding-DNA position 2046, C replaced by T.
Protein change: p.Ile682=; no amino-acid change (isoleucine 682 retained).
Molecular consequence: synonymous variant.
Genome position (GRCh38, 1-based): chr11:47,339,672, G>A on the plus strand (C>T on the coding strand, the complement: MYBPC3 is on the minus strand). VCF-style: chr11-47339672-G-A. GRCh37 (hg19) VCF-style: chr11-47361223-G-A.
Identifiers: ClinVar variation 1967892 (VCV001967892.6), dbSNP rs2095886277, ClinGen allele CA048081.

ClinVar aggregate classification (germline): Likely benign. Review status: criteria provided, multiple submitters, no conflicts (2 of 4 stars). 3 submissions from 3 submitters: Likely benign (3). Last evaluated 2024-10-10.

Conditions:
Hypertrophic cardiomyopathy. Also called: HYPERTROPHIC MYOCARDIOPATHY. Identifiers: Orphanet 217569, MedGen C0007194, MeSH D002312, MONDO:0005045, HP:0001639.
Cardiomyopathy (CMYO). Also called: Cardiomyopathies. Identifiers: Orphanet 167848, MedGen C0878544, MONDO:0004994, HP:0001638. Inheritance: Various modes of inheritance.

Allele frequency attached by ClinVar (database versions not stated): gnomAD exomes below 0.00001; gnomAD 0.00001.
gnomAD v4.1: 3 of 1,608,792 alleles (0.00019%); highest among the groups gnomAD compares: Non-Finnish European, 0.00025%; no homozygotes.

Submissions (3):

Labcorp Genetics (formerly Invitae), Labcorp
Classification: Likely benign for Hypertrophic cardiomyopathy. Last evaluated: 2024-10-10. Review status: criteria provided, single submitter. Criteria: Invitae Variant Classification Sherloc (09022015). Collection method: clinical testing. Allele origin: germline.

All of Us Research Program, National Institutes of Health
Classification: Likely benign for Hypertrophic cardiomyopathy. Last evaluated: 2023-11-02. Review status: criteria provided, single submitter. Criteria: ACMG Guidelines, 2015. Collection method: clinical testing. Allele origin: germline. Inheritance: Autosomal dominant inheritance. Observed: 1 variant allele, 1 heterozygote.
Comment: This study involves interpretation of variants in research participants for the purpose of population health screening. Participant phenotype was not available at the time of variant classification. Additional details can be found in publication PMID: 35346344, PMCID: PMC8962531

Color Diagnostics, LLC DBA Color Health
Classification: Likely benign for Cardiomyopathy. Last evaluated: 2023-10-18. Review status: criteria provided, single submitter. Criteria: ACMG Guidelines, 2015. Collection method: clinical testing. Allele origin: germline.